The following is an entry in ClinVar:

NC_000012.11:g.(?_1902821)_(1906721_?)del

Gene: CACNA2D4 (calcium voltage-gated channel auxiliary subunit alpha2delta 4; minus strand). Cytogenetic location: 12p13.33.
Variant type: Deletion.
Identifiers: ClinVar variation 3244445 (VCV003244445.1).

ClinVar aggregate classification (germline): Uncertain significance (1 of 4 stars; one submission).

Submission:

Labcorp Genetics (formerly Invitae), Labcorp
Classification: Uncertain significance. Last evaluated: 2023-12-02. Review status: criteria provided, single submitter. Criteria: Invitae Variant Classification Sherloc (09022015). Collection method: clinical testing. Allele origin: unknown.
Comment: This variant is a gross deletion of the genomic region encompassing exon(s) 35-38 of the CACNA2D4 gene, which includes the termination codon. This deletion extends beyond the assayed region for this gene and therefore may encompass additional genes. While this deletion is not anticipated to lead to nonsense mediated decay, it is expected to alter mRNA translation or result in a truncated protein product. This variant has not been reported in the literature in individuals affected with CACNA2D4-related conditions. Experimental studies and prediction algorithms are not available or were not evaluated, and the functional significance of this variant is currently unknown. In summary, the available evidence is currently insufficient to determine the role of this variant in disease. Therefore, it has been classified as a Variant of Uncertain Significance.